The following is an entry in ClinVar:

NM_001330311.2(DVL1):c.311C>T (p.Pro104Leu)

Gene: DVL1 (dishevelled segment polarity protein 1; minus strand). Cytogenetic location: 1p36.33.
Variant type: single nucleotide variant.
Coding change: c.311C>T on transcript NM_001330311.2 (MANE Select); coding-DNA position 311, C replaced by T.
Protein change: p.Pro104Leu; replaces proline 104 with leucine.
Molecular consequence: missense variant.
Genome position (GRCh38, 1-based): chr1:1,342,414, G>A on the plus strand (C>T on the coding strand, the complement: DVL1 is on the minus strand). VCF-style: chr1-1342414-G-A. GRCh37 (hg19) VCF-style: chr1-1277794-G-A.
Other names: c.311C>T, p.Pro104Leu (NM_004421.3); short protein forms P104L.
Identifiers: ClinVar variation 1499150 (VCV001499150.6), dbSNP rs1167067444, ClinGen allele CA337875959.

ClinVar aggregate classification (germline): Uncertain significance (1 of 4 stars; one submission).

Allele frequency attached by ClinVar (database versions not stated): gnomAD exomes 0.00001; TOPMed 0.00001.
gnomAD v4.1: 11 of 1,593,804 alleles (0.00069%); highest among the groups gnomAD compares: South Asian, 0.0034%; 1 homozygote.

Submission:

Labcorp Genetics (formerly Invitae), Labcorp
Classification: Uncertain significance. Last evaluated: 2025-01-01. Review status: criteria provided, single submitter. Criteria: Invitae Variant Classification Sherloc (09022015). Collection method: clinical testing. Allele origin: germline.
Comment: This sequence change replaces proline, which is neutral and non-polar, with leucine, which is neutral and non-polar, at codon 104 of the DVL1 protein (p.Pro104Leu). The frequency data for this variant in the population databases is considered unreliable, as metrics indicate poor data quality at this position in the gnomAD database. This variant has not been reported in the literature in individuals affected with DVL1-related conditions. ClinVar contains an entry for this variant (Variation ID: 1499150). Invitae Evidence Modeling of protein sequence and biophysical properties (such as structural, functional, and spatial information, amino acid conservation, physicochemical variation, residue mobility, and thermodynamic stability) indicates that this missense variant is not expected to disrupt DVL1 protein function with a negative predictive value of 80%. In summary, the available evidence is currently insufficient to determine the role of this variant in disease. Therefore, it has been classified as a Variant of Uncertain Significance.